The following is an entry in ClinVar:

ClinVar aggregate classification (germline): other (0 of 4 stars; one submission).

Conditions:
Familial colorectal cancer. Identifiers: MedGen CN280943, MONDO:0023113. Disease mechanism: loss of function.

Submission:

Systems Biology Platform Zhejiang California International NanoSystems Institute
Classification: other for Familial colorectal cancer. Review status: no assertion criteria provided. Collection method: not provided. Allele origin: unknown.
ClinVar note: Converted during submission from cancer to other.

NM_000038.6(APC):c.645+154C>A

Gene: APC (APC regulator of WNT signaling pathway; plus strand). Cytogenetic location: 5q22.2.
Variant type: single nucleotide variant.
Coding change: c.645+154C>A on transcript NM_000038.6 (MANE Select); 154 bases into the intron after coding-DNA position 645, C replaced by A.
Molecular consequence: intron variant.
Genome position (GRCh38, 1-based): chr5:112,781,057, C>A. VCF-style: chr5-112781057-C-A. GRCh37 (hg19) VCF-style: chr5-112116754-C-A.
Other names: c.645+154C>A (NM_001354895.2, NM_001127510.3, NM_001354896.2 and 2 more transcripts); c.675+154C>A (NM_001354897.2, NM_001354902.2, NM_001127511.3); c.570+154C>A (NM_001354898.2, NM_001354904.2); c.-391+154C>A (NM_001354906.2); c.468+154C>A (NM_001354900.2, NM_001354901.2, NM_001354905.2).
Identifiers: ClinVar variation 82435 (VCV000082435.2), dbSNP rs77200800, ClinGen allele CA011266.
Genomic context (GRCh38, chr5:112,781,057, plus strand): 5'-GACATAAGGCTGTGTTTATTTTGGCTCTATTTCAAAATAAGATTTATCATGGCTGCTGAG[C>A]AACATAATCAATATTCACATAGTTGTGTCTTTACCATATTCATTTCCCCTGGTACTGTTC-3'